The following is an entry in ClinVar:

NM_001458.5(FLNC):c.2062G>T (p.Ala688Ser)

Gene: FLNC (filamin C; plus strand). Cytogenetic location: 7q32.1.
Variant type: single nucleotide variant.
Coding change: c.2062G>T on transcript NM_001458.5 (MANE Select); coding-DNA position 2062, G replaced by T.
Protein change: p.Ala688Ser; replaces alanine 688 with serine.
Molecular consequence: missense variant.
Genome position (GRCh38, 1-based): chr7:128,841,508, G>T. VCF-style: chr7-128841508-G-T. GRCh37 (hg19) VCF-style: chr7-128481562-G-T.
Other names: c.2062G>T, p.Ala688Ser (NM_001127487.2); short protein forms A688S.
Identifiers: ClinVar variation 569770 (VCV000569770.10), dbSNP rs774194364, ClinGen allele CA4474579.

ClinVar aggregate classification (germline): Uncertain significance. Review status: criteria provided, multiple submitters, no conflicts (2 of 4 stars). 2 submissions from 2 submitters: Uncertain significance (2). Last evaluated 2025-12-28.

Conditions:
Distal myopathy with posterior leg and anterior hand involvement. Also called: WILLIAMS DISTAL MYOPATHY. Identifiers: Orphanet 63273, MedGen C3279722, MONDO:0013550, OMIM 614065.
Myofibrillar myopathy 5. Also called: Filaminopathy (type); FILAMINOPATHY, AUTOSOMAL DOMINANT. Identifiers: Orphanet 171445, MedGen C1836050, MONDO:0012289, OMIM 609524.
Hypertrophic cardiomyopathy 26. Also called: Cardiomyopathy, familial hypertrophic, 26. Identifiers: Orphanet 75249, MedGen C4310749, MONDO:0014883, OMIM 617047.
Cardiovascular phenotype. Identifiers: MedGen CN230736.

Allele frequency attached by ClinVar (database versions not stated): TOPMed 0.00002.
gnomAD v4.1: 8 of 1,614,010 alleles (0.0005%); highest among the groups gnomAD compares: Non-Finnish European, 0.00059%; no homozygotes.

Submissions (2):

Labcorp Genetics (formerly Invitae), Labcorp
Classification: Uncertain significance for Distal myopathy with posterior leg and anterior hand involvement; Myofibrillar myopathy 5; Hypertrophic cardiomyopathy 26. Last evaluated: 2025-12-28. Review status: criteria provided, single submitter. Criteria: Invitae Variant Classification Sherloc (09022015). Collection method: clinical testing. Allele origin: germline.
Comment: This sequence change replaces alanine, which is neutral and non-polar, with serine, which is neutral and polar, at codon 688 of the FLNC protein (p.Ala688Ser). This variant is present in population databases (rs774194364, gnomAD 0.002%). This variant has not been reported in the literature in individuals affected with FLNC-related conditions. ClinVar contains an entry for this variant (Variation ID: 569770). Invitae Evidence Modeling of protein sequence and biophysical properties (such as structural, functional, and spatial information, amino acid conservation, physicochemical variation, residue mobility, and thermodynamic stability) has been performed for this missense variant. However, the output from this modeling did not meet the statistical confidence thresholds required to predict the impact of this variant on FLNC protein function. In summary, the available evidence is currently insufficient to determine the role of this variant in disease. Therefore, it has been classified as a Variant of Uncertain Significance.

Ambry Genetics
Classification: Uncertain significance for Cardiovascular phenotype. Last evaluated: 2023-03-11. Review status: criteria provided, single submitter. Criteria: Ambry Variant Classification Scheme 2023. Collection method: clinical testing. Allele origin: germline.
Comment: The p.A688S variant (also known as c.2062G>T), located in coding exon 13 of the FLNC gene, results from a G to T substitution at nucleotide position 2062. The alanine at codon 688 is replaced by serine, an amino acid with similar properties. This amino acid position is conserved. In addition, the in silico prediction for this alteration is inconclusive. Since supporting evidence is limited at this time, the clinical significance of this alteration remains unclear.